The following is an entry in ClinVar:

NM_006904.7(PRKDC):c.2566G>C (p.Val856Leu)

Gene: PRKDC (protein kinase, DNA-activated, catalytic subunit; minus strand). Cytogenetic location: 8q11.21.
Variant type: single nucleotide variant.
Coding change: c.2566G>C on transcript NM_006904.7 (MANE Select); coding-DNA position 2566, G replaced by C.
Protein change: p.Val856Leu; replaces valine 856 with leucine.
Molecular consequence: missense variant.
Genome position (GRCh38, 1-based): chr8:47,915,379, C>G on the plus strand (G>C on the coding strand, the complement: PRKDC is on the minus strand). VCF-style: chr8-47915379-C-G. GRCh37 (hg19) VCF-style: chr8-48827939-C-G.
Other names: c.2566G>C, p.Val856Leu (NM_001081640.2); short protein forms V856L.
Identifiers: ClinVar variation 1793175 (VCV001793175.2), dbSNP rs2551877071, ClinGen allele CA371159927.

ClinVar aggregate classification (germline): Uncertain significance (1 of 4 stars; one submission).

Submission:

Ambry Genetics
Classification: Uncertain significance. Last evaluated: 2022-01-31. Review status: criteria provided, single submitter. Criteria: Ambry Variant Classification Scheme 2023. Collection method: clinical testing. Allele origin: germline.
Comment: The p.V856L variant (also known as c.2566G>C), located in coding exon 23 of the PRKDC gene, results from a G to C substitution at nucleotide position 2566. The valine at codon 856 is replaced by leucine, an amino acid with highly similar properties. This amino acid position is conserved. In addition, this alteration is predicted to be tolerated by in silico analysis. Since supporting evidence is limited at this time, the clinical significance of this alteration remains unclear.